The following is an entry in ClinVar:

NM_004304.5(ALK):c.2803G>A (p.Gly935Arg)

Gene: ALK (ALK receptor tyrosine kinase; minus strand). Cytogenetic location: 2p23.2.
Variant type: single nucleotide variant.
Coding change: c.2803G>A on transcript NM_004304.5 (MANE Select); coding-DNA position 2803, G replaced by A.
Protein change: p.Gly935Arg; replaces glycine 935 with arginine.
Molecular consequence: missense variant.
Genome position (GRCh38, 1-based): chr2:29,228,896, C>T on the plus strand (G>A on the coding strand, the complement: ALK is on the minus strand). VCF-style: chr2-29228896-C-T. GRCh37 (hg19) VCF-style: chr2-29451762-C-T.
Other names: short protein forms G935R.
Identifiers: ClinVar variation 470807 (VCV000470807.9), dbSNP rs766551269, ClinGen allele CA1594193.
Genomic context (GRCh38, chr2:29,228,896, plus strand): 5'-AGGACTAAGCAGGGAGGGAGTGACACCTTGAACACGAATCATCTTTACCTATATATCCTC[C>T]GCCTCCTCCACCTGAGGAGCACCCCCCTCCACCCCCTCCGAAACCCCCTCTTGTCTCCCA-3'
Protein context (NP_004295.2, residues 925-945): GGGCSSGGGG[Gly935Arg]GYIGGNAASN

ClinVar aggregate classification (germline): Uncertain significance. Review status: criteria provided, multiple submitters, no conflicts (2 of 4 stars). 2 submissions from 2 submitters: Uncertain significance (2). Last evaluated 2025-08-28.

Conditions:
Hereditary cancer-predisposing syndrome. Also called: Hereditary neoplastic syndrome; Neoplastic Syndromes, Hereditary; Tumor predisposition; Hereditary Cancer Syndrome. Identifiers: Orphanet 140162, MedGen C0027672, MeSH D009386, MONDO:0015356.
Neuroblastoma, susceptibility to, 3. Also called: ALK-Related Neuroblastic Tumor Susceptibility. Identifiers: Orphanet 635, MedGen C2751681, MONDO:0013083, OMIM 613014.

Allele frequency attached by ClinVar (database versions not stated): gnomAD exomes below 0.00001; TOPMed below 0.00001; ExAC 0.00001; gnomAD 0.00001.
gnomAD v4.1: 4 of 1,586,616 alleles (0.00025%); highest among the groups gnomAD compares: Non-Finnish European, 0.00035%; no homozygotes.

Submissions (2):

Ambry Genetics
Classification: Uncertain significance for Hereditary cancer-predisposing syndrome. Last evaluated: 2025-08-28. Review status: criteria provided, single submitter. Criteria: Ambry Variant Classification Scheme 2023. Collection method: clinical testing. Allele origin: germline.
Comment: The p.G935R variant (also known as c.2803G>A), located in coding exon 16 of the ALK gene, results from a G to A substitution at nucleotide position 2803. The glycine at codon 935 is replaced by arginine, an amino acid with dissimilar properties. This amino acid position is highly conserved in available vertebrate species. In addition, the in silico prediction for this alteration is inconclusive. Based on the available evidence, the clinical significance of this variant remains unclear.

Labcorp Genetics (formerly Invitae), Labcorp
Classification: Uncertain significance for Neuroblastoma, susceptibility to, 3. Last evaluated: 2024-09-12. Review status: criteria provided, single submitter. Criteria: Invitae Variant Classification Sherloc (09022015). Collection method: clinical testing. Allele origin: germline.
Comment: This sequence change replaces glycine, which is neutral and non-polar, with arginine, which is basic and polar, at codon 935 of the ALK protein (p.Gly935Arg). This variant is present in population databases (rs766551269, gnomAD 0.0009%). This variant has not been reported in the literature in individuals affected with ALK-related conditions. ClinVar contains an entry for this variant (Variation ID: 470807). An algorithm developed to predict the effect of missense changes on protein structure and function (PolyPhen-2) suggests that this variant is likely to be disruptive. In summary, the available evidence is currently insufficient to determine the role of this variant in disease. Therefore, it has been classified as a Variant of Uncertain Significance.